The following is an entry in ClinVar:

ClinVar aggregate classification (germline): Uncertain significance (1 of 4 stars; one submission).

Conditions:
Rhabdoid tumor predisposition syndrome 2 (RTPS2). Identifiers: Orphanet 231108, Orphanet 69077, MedGen C2750074, MONDO:0013224, OMIM 613325.

Submission:

Labcorp Genetics (formerly Invitae), Labcorp
Classification: Uncertain significance for Rhabdoid tumor predisposition syndrome 2. Last evaluated: 2022-12-31. Review status: criteria provided, single submitter. Criteria: Invitae Variant Classification Sherloc (09022015). Collection method: clinical testing. Allele origin: germline.
Comment: In summary, the available evidence is currently insufficient to determine the role of this variant in disease. Therefore, it has been classified as a Variant of Uncertain Significance. Advanced modeling of protein sequence and biophysical properties (such as structural, functional, and spatial information, amino acid conservation, physicochemical variation, residue mobility, and thermodynamic stability) performed at Invitae indicates that this missense variant is not expected to disrupt SMARCA4 protein function. This variant has not been reported in the literature in individuals affected with SMARCA4-related conditions. This variant is not present in population databases (gnomAD no frequency). This sequence change replaces methionine, which is neutral and non-polar, with leucine, which is neutral and non-polar, at codon 1051 of the SMARCA4 protein (p.Met1051Leu).

NM_003072.5(SMARCA4):c.3151A>T (p.Met1051Leu)

Gene: SMARCA4 (SWI/SNF related BAF chromatin remodeling complex subunit ATPase 4; plus strand). Cytogenetic location: 19p13.2.
Variant type: single nucleotide variant.
Coding change: c.3151A>T on transcript NM_003072.5 (MANE Select); coding-DNA position 3151, A replaced by T.
Protein change: p.Met1051Leu; replaces methionine 1051 with leucine.
Molecular consequence: missense variant. On other transcripts: non-coding transcript variant (1).
Genome position (GRCh38, 1-based): chr19:11,025,491, A>T. VCF-style: chr19-11025491-A-T. GRCh37 (hg19) VCF-style: chr19-11136167-A-T.
Other names: c.3151A>T, p.Met1051Leu (NM_001128847.4, NM_001128848.2, NM_001128849.3 and 6 more transcripts); short protein forms M1051L.
Identifiers: ClinVar variation 2816066 (VCV002816066.3), dbSNP rs2146498393, ClinGen allele CA404059288.
Genomic context (GRCh38, chr19:11,025,491, plus strand): 5'-GGCACCAAGACCCTGATGAACACCATCATGCAGCTGCGGAAGATCTGCAACCACCCCTAC[A>T]TGTTCCAGCACATCGAGGTGAGCCCGCCGCGGCTGGGACGGCTCAGGCCCTGCTGTCTGC-3'
Protein context (NP_003063.2, residues 1041-1061): QLRKICNHPY[Met1051Leu]FQHIEESFSE